The following is an entry in ClinVar:

ClinVar aggregate classification (germline): Uncertain significance. Review status: criteria provided, multiple submitters, no conflicts (2 of 4 stars). 3 submissions from 3 submitters: Uncertain significance (3). Last evaluated 2023-04-11.

Conditions:
Glycogen storage disease type III (GSD3). Also called: FORBES DISEASE; Cori disease. Identifiers: Orphanet 366, MedGen C0017922, MONDO:0009291, OMIM 232400.

Allele frequency attached by ClinVar (database versions not stated): gnomAD exomes below 0.00001.
gnomAD v4.1: 1 of 1,610,238 alleles (0.000062%); highest among the groups gnomAD compares: Non-Finnish European, 0.000085%; no homozygotes.

Submissions (3):

Genome-Nilou Lab
Classification: Uncertain significance for Glycogen storage disease type III. Last evaluated: 2023-04-11. Review status: criteria provided, single submitter. Criteria: ACMG Guidelines, 2015. Collection method: clinical testing. Allele origin: germline. Affected: no.

Labcorp Genetics (formerly Invitae), Labcorp
Classification: Uncertain significance for Glycogen storage disease type III. Last evaluated: 2022-03-18. Review status: criteria provided, single submitter. Criteria: Invitae Variant Classification Sherloc (09022015). Collection method: clinical testing. Allele origin: germline.
Comment: This sequence change replaces lysine, which is basic and polar, with glutamic acid, which is acidic and polar, at codon 308 of the AGL protein (p.Lys308Glu). This variant is not present in population databases (gnomAD no frequency). This variant has not been reported in the literature in individuals affected with AGL-related conditions. Algorithms developed to predict the effect of missense changes on protein structure and function (SIFT, PolyPhen-2, Align-GVGD) all suggest that this variant is likely to be tolerated. Algorithms developed to predict the effect of sequence changes on RNA splicing suggest that this variant may create or strengthen a splice site. In summary, the available evidence is currently insufficient to determine the role of this variant in disease. Therefore, it has been classified as a Variant of Uncertain Significance.

Fulgent Genetics
Classification: Uncertain significance for Glycogen storage disease type III. Last evaluated: 2021-10-08. Review status: criteria provided, single submitter. Criteria: ACMG Guidelines, 2015. Collection method: clinical testing. Allele origin: unknown.

NM_000642.3(AGL):c.922A>G (p.Lys308Glu)

Gene: AGL (amylo-alpha-1,6-glucosidase and 4-alpha-glucanotransferase; plus strand). Cytogenetic location: 1p21.2.
Variant type: single nucleotide variant.
Coding change: c.922A>G on transcript NM_000642.3 (MANE Select); coding-DNA position 922, A replaced by G.
Protein change: p.Lys308Glu; replaces lysine 308 with glutamic acid.
Molecular consequence: missense variant.
Genome position (GRCh38, 1-based): chr1:99,870,833, A>G. VCF-style: chr1-99870833-A-G. GRCh37 (hg19) VCF-style: chr1-100336389-A-G.
Other names: c.922A>G, p.Lys308Glu (NM_000028.3, NM_000643.3, NM_000644.3 and 3 more transcripts); c.874A>G, p.Lys292Glu (NM_000646.3); c.718A>G, p.Lys240Glu (NM_001425328.1, NM_001425329.1); c.544A>G, p.Lys182Glu (NM_001425332.1); short protein forms K292E, K308E, K182E, K240E.
Identifiers: ClinVar variation 1441147 (VCV001441147.6), dbSNP rs2101113540, ClinGen allele CA341341785.